The following is an entry in ClinVar:

ClinVar aggregate classification (germline): Likely benign (1 of 4 stars; one submission).

Allele frequency attached by ClinVar (database versions not stated): ESP Exome Variant Server 0.00092; gnomAD exomes 0.00125; TOPMed 0.00141; gnomAD 0.00149; 1000 Genomes Project 0.00160; 1000 Genomes Project 30x 0.00187; ExAC 0.00220.

Submission:

CeGaT Center for Human Genetics Tuebingen
Classification: Likely benign. Last evaluated: 2023-03-01. Review status: criteria provided, single submitter. Criteria: CeGaT Center For Human Genetics Tuebingen Variant Classification Criteria Version 2. Collection method: clinical testing. Allele origin: germline. Affected: yes. Observed: 1 variant allele.
Comment: FOLH1B: BS2

NR_175944.1(FOLH1B):n.1021G>A

Gene: FOLH1B (folate hydrolase 1B; plus strand). Cytogenetic location: 11q14.3.
Variant type: single nucleotide variant.
Molecular consequence: non-coding transcript variant (on NR_175944.1).
Genome position: GRCh38 VCF-style: chr11-89680626-G-A. GRCh37 (hg19) VCF-style: chr11-89413794-G-A.
Identifiers: ClinVar variation 2642260 (VCV002642260.24), dbSNP rs146604247, ClinGen allele CA6222559.